The following is an entry in ClinVar:

ClinVar aggregate classification (germline): Uncertain significance. Review status: criteria provided, multiple submitters, no conflicts (2 of 4 stars). 2 submissions from 2 submitters: Uncertain significance (2). Last evaluated 2025-06-07.

Submissions (2):

Ambry Genetics
Classification: Uncertain significance. Last evaluated: 2025-06-07. Review status: criteria provided, single submitter. Criteria: Ambry Variant Classification Scheme 2023. Collection method: clinical testing. Allele origin: germline.
Comment: The p.C91R variant (also known as c.271T>C), located in coding exon 2 of the RNF43 gene, results from a T to C substitution at nucleotide position 271. The cysteine at codon 91 is replaced by arginine, an amino acid with highly dissimilar properties. This amino acid position is conserved. In addition, this alteration is predicted to be deleterious by in silico analysis. Based on the available evidence, the clinical significance of this variant remains unclear.

GeneDx
Classification: Uncertain significance. Last evaluated: 2022-08-09. Review status: criteria provided, single submitter. Criteria: GeneDx Variant Classification Process June 2021. Collection method: clinical testing. Allele origin: germline. Affected: yes.
Comment: Not observed at significant frequency in large population cohorts (gnomAD); In silico analysis supports that this missense variant has a deleterious effect on protein structure/function; Has not been previously published as pathogenic or benign to our knowledge; Variants in candidate genes are classified as variants of uncertain significance in accordance with ACMG guidelines (Richards et al., 2015)

NM_017763.6(RNF43):c.271T>C (p.Cys91Arg)

Gene: RNF43 (ring finger protein 43; minus strand). Cytogenetic location: 17q22.
Variant type: single nucleotide variant.
Coding change: c.271T>C on transcript NM_017763.6 (MANE Select); coding-DNA position 271, T replaced by C.
Protein change: p.Cys91Arg; replaces cysteine 91 with arginine.
Molecular consequence: missense variant.
Genome position (GRCh38, 1-based): chr17:58,371,015, A>G on the plus strand (T>C on the coding strand, the complement: RNF43 is on the minus strand). VCF-style: chr17-58371015-A-G. GRCh37 (hg19) VCF-style: chr17-56448376-A-G.
Other names: c.271T>C, p.Cys91Arg (NM_001305544.3); c.-111T>C (NM_001305545.2); short protein forms C91R.
Identifiers: ClinVar variation 3342593 (VCV003342593.2).